The following is an entry in ClinVar:

ClinVar aggregate classification (germline): Likely benign (1 of 4 stars; one submission).

Conditions:
XYLT2-related disorder. Also called: XYLT2-related condition.

Submission:

PreventionGenetics, part of Exact Sciences
Classification: Likely benign for XYLT2-related condition. Last evaluated: 2026-06-18. Review status: criteria provided, single submitter. Criteria: ACMG Guidelines, 2015. Collection method: clinical testing. Allele origin: germline.
Comment: This variant is classified as likely benign based on ACMG/AMP sequence variant interpretation guidelines (Richards et al. 2015 PMID: 25741868, with internal and published modifications).

NM_022167.4(XYLT2):c.1483-19_1483-6dup

Gene: XYLT2 (xylosyltransferase 2; plus strand). Cytogenetic location: 17q21.33.
Variant type: Duplication.
Coding change: c.1483-19_1483-6dup on transcript NM_022167.4 (MANE Select); 19 bases into the intron before coding-DNA position 1483 through 6 bases into the intron before coding-DNA position 1483, 14 bases duplicated (CTTGCCTCTCCCAC).
Molecular consequence: intron variant.
Genome position (GRCh38, 1-based): chr17:50,356,492-50,356,505, CTTGCCTCTCCCAC duplicated; duplicating any 14 consecutive bases within chr17:50,356,491-50,356,505 gives the same sequence; the c. name uses the placement nearest the transcript's 3' end. VCF-style (leftmost placement, unchanged base first): chr17-50356490-T-TCCTTGCCTCTCCCA. GRCh37 (hg19) VCF-style: chr17-48433851-T-TCCTTGCCTCTCCCA.
Identifiers: ClinVar variation 4980663 (VCV004980663.1).